The following is an entry in ClinVar:

NM_004609.4(TCF15):c.21G>C (p.Arg7=)

Gene: TCF15 (transcription factor 15; minus strand). Cytogenetic location: 20p13.
Variant type: single nucleotide variant.
Coding change: c.21G>C on transcript NM_004609.4 (MANE Select); coding-DNA position 21, G replaced by C.
Protein change: p.Arg7=; no amino-acid change (arginine 7 retained).
Molecular consequence: synonymous variant.
Genome position (GRCh38, 1-based): chr20:610,217, C>G on the plus strand (G>C on the coding strand, the complement: TCF15 is on the minus strand). VCF-style: chr20-610217-C-G. GRCh37 (hg19) VCF-style: chr20-590861-C-G.
Identifiers: ClinVar variation 4872300 (VCV004872300.2).

ClinVar aggregate classification (germline): Likely benign (1 of 4 stars; one submission).

Submission:

CeGaT Center for Human Genetics Tuebingen
Classification: Likely benign. Last evaluated: 2026-05-01. Review status: criteria provided, single submitter. Criteria: CeGaT Center For Human Genetics Tuebingen Variant Classification Criteria Version 2. Collection method: clinical testing. Allele origin: germline. Affected: yes. Observed: 1 variant allele.
Comment: TCF15: PM2:Supporting, BP4, BP7